The following is an entry in ClinVar:

NC_000008.10:g.(?_100396426)_(100589871_?)del

Gene: VPS13B (vacuolar protein sorting 13 homolog B; plus strand). Cytogenetic location: 8q22.2.
Variant type: Deletion.
Identifiers: ClinVar variation 2426384 (VCV002426384.4).

ClinVar aggregate classification (germline): Pathogenic (1 of 4 stars; one submission).

Conditions:
Cohen syndrome (COH1). Also called: Cutis verticis gyrata, retinitis pigmentosa, and sensorineural deafness; PEPPER SYNDROME. Identifiers: Orphanet 193, MedGen C0265223, MONDO:0008999, OMIM 216550.

Submission:

Labcorp Genetics (formerly Invitae), Labcorp
Classification: Pathogenic for Cohen syndrome. Last evaluated: 2021-11-14. Review status: criteria provided, single submitter. Criteria: Invitae Variant Classification Sherloc (09022015). Collection method: clinical testing. Allele origin: germline.
Comment: For these reasons, this variant has been classified as Pathogenic. This variant has not been reported in the literature in individuals affected with VPS13B-related conditions. This variant is a gross deletion of the genomic region encompassing exon(s) 20-33 of the VPS13B gene. This deletion is out-of-frame, and is expected to create a premature termination codon and result in an absent or disrupted protein product. Loss-of-function variants in VPS13B are known to be pathogenic (PMID: 15141358, 16648375, 20461111).

Literature cited by the submitters: PubMed 15141358; PubMed 16648375; PubMed 20461111.